The following is an entry in ClinVar:

NM_024426.6(WT1):c.1143_1151dup (p.Val384_Arg385insThrLeuVal)

Gene: WT1 (WT1 transcription factor; minus strand). Cytogenetic location: 11p13.
Variant type: Duplication.
Coding change: c.1143_1151dup on transcript NM_024426.6 (MANE Select); coding-DNA positions 1143 to 1151, 9 bases duplicated (GACTCTTGT; older notation c.1143_1151dupGACTCTTGT).
Protein change: p.Val384_Arg385insThrLeuVal.
Molecular consequence: inframe insertion. On other transcripts: inframe indel (10), 5 prime UTR variant (1), non-coding transcript variant (1).
Genome position (GRCh38, 1-based): chr11:32,396,370-32,396,378, ACAAGAGTC duplicated on the plus strand (GACTCTTGT on the coding strand, the reverse complement: WT1 is on the minus strand). VCF-style (leftmost placement, unchanged base first): chr11-32396369-T-TACAAGAGTC. GRCh37 (hg19) VCF-style: chr11-32417915-T-TACAAGAGTC.
Other names: c.1092_1100dup, p.Val367_Arg368insThrLeuVal (NM_000378.6, NM_001407045.1, NM_001407048.1 and 1 more transcripts); c.492_500dup, p.Val167_Arg168insThrLeuVal (NM_001198551.2); c.441_449dup, p.Val150_Arg151insThrLeuVal (NM_001198552.2); c.-46_-38dup (NM_001367854.1); c.1137_1145dup, p.Val382_Arg383insThrLeuVal (NM_001407044.1); c.1143_1151dup, p.Val384_Arg385insThrLeuVal (NM_001407046.1, NM_024424.5); c.1020_1028dup, p.Val343_Arg344insThrLeuVal (NM_001407047.1); c.969_977dup, p.Val326_Arg327insThrLeuVal (NM_001407050.1); and 2 more.
Identifiers: ClinVar variation 2089473 (VCV002089473.4), dbSNP rs2494782986, ClinGen allele CA2580084093.

ClinVar aggregate classification (germline): Uncertain significance (1 of 4 stars; one submission).

Conditions:
Drash syndrome (DDS). Also called: NEPHROPATHY, WILMS TUMOR, AND GENITAL ANOMALIES; WILMS TUMOR AND PSEUDO- OR TRUE HERMAPHRODITISM. Identifiers: Orphanet 220, MedGen C0950121, MONDO:0008682, OMIM 194080.
Frasier syndrome. Identifiers: Orphanet 347, MedGen C0950122, MeSH D052159, MONDO:0007635, OMIM 136680.
Wilms tumor 1 (WT1). Also called: Wilms tumor, somatic. Identifiers: Orphanet 654, MedGen CN033288, MONDO:0008679, OMIM 194070.
11p partial monosomy syndrome (WAGR). Also called: WAGR Spectrum Disorder; WAGR syndrome; WAGR Complex; CHROMOSOME 11p13 DELETION SYNDROME. Identifiers: Orphanet 893, MedGen C0206115, MONDO:0008681, OMIM 194072.

Submission:

Labcorp Genetics (formerly Invitae), Labcorp
Classification: Uncertain significance for Wilms tumor 1; Drash syndrome; 11p partial monosomy syndrome; Frasier syndrome. Last evaluated: 2022-01-26. Review status: criteria provided, single submitter. Criteria: Invitae Variant Classification Sherloc (09022015). Collection method: clinical testing. Allele origin: germline.
Comment: In summary, the available evidence is currently insufficient to determine the role of this variant in disease. Therefore, it has been classified as a Variant of Uncertain Significance. Algorithms developed to predict the effect of sequence changes on RNA splicing suggest that this variant may create or strengthen a splice site. This variant has not been reported in the literature in individuals affected with WT1-related conditions. This variant is not present in population databases (gnomAD no frequency). This variant, c.1128_1136dup, results in the insertion of 3 amino acid(s) of the WT1 protein (p.Thr377_Val379dup), but otherwise preserves the integrity of the reading frame.